The following is an entry in ClinVar:

NM_001918.5(DBT):c.1111dup (p.Ala371fs)

Gene: DBT (dihydrolipoamide branched chain transacylase E2; minus strand). Cytogenetic location: 1p21.2.
Variant type: Duplication.
Coding change: c.1111dup on transcript NM_001918.5 (MANE Select); coding-DNA position 1111, one base duplicated (G; older notation c.1111dupG).
Protein change: p.Ala371fs; shifts the reading frame from alanine 371.
Molecular consequence: frameshift variant. On other transcripts: non-coding transcript variant (4).
Genome position (GRCh38, 1-based): chr1:100,206,543, C duplicated on the plus strand (G on the coding strand, the reverse complement: DBT is on the minus strand). VCF-style (leftmost placement, unchanged base first): chr1-100206542-G-GC. GRCh37 (hg19) VCF-style: chr1-100672098-G-GC.
Other names: c.568dup, p.Ala190fs (NM_001399969.1, NM_001399972.1); short protein forms A190fs, A371fs.
Identifiers: ClinVar variation 5011585 (VCV005011585.1).
Genomic context (GRCh38, chr1:100,206,542, plus strand): 5'-AGATCAGTGGTGCTGAGCTGACTCACAGAGCCCAATTTCTGGAGGCGGTTCAGTTCAGTG[G>GC]CGATGTCAAATATAGAGCAGATCTGAACATTTTTCACATTAGGGACAATCAAACCCTGCT-3'

ClinVar aggregate classification (germline): Pathogenic (1 of 4 stars; one submission).

Conditions:
Maple syrup urine disease type 2 (MSUD2). Also called: Maple syrup urine disease, type II. Identifiers: MedGen C1855371, MONDO:0023693, OMIM 620699.

Submission:

Myriad Genetics, Inc.
Classification: Pathogenic for Maple syrup urine disease type 2. Last evaluated: 2023-09-06. Review status: criteria provided, single submitter. Criteria: Myriad Autosomal Dominant, Autosomal Recessive and X-Linked Classification Criteria (2023). Collection method: clinical testing. Allele origin: unknown.
Comment: NM_001918.3(DBT):c.1111dupG(A371Gfs*3) is expected to be pathogenic in the context of maple syrup urine disease type II. This variant is predicted to lead to an abnormal or absent protein product due to the creation of a premature termination codon in DBT, a gene where loss-of-function variants are known to be pathogenic. Please note: this variant was assessed in the context of healthy population screening.